The following is an entry in ClinVar:

ClinVar aggregate classification (germline): Conflicting classifications of pathogenicity. Review status: criteria provided, conflicting classifications (1 of 4 stars). 5 submissions from 5 submitters: Uncertain significance (3); Likely benign (2). Last evaluated 2025-03-30.

Conditions:
Hereditary cancer-predisposing syndrome. Also called: Neoplastic Syndromes, Hereditary; Hereditary Cancer Syndrome; Tumor predisposition; Hereditary neoplastic syndrome. Identifiers: Orphanet 140162, MedGen C0027672, MeSH D009386, MONDO:0015356.
Hereditary breast ovarian cancer syndrome. Also called: BRCA1- and BRCA2-Associated Hereditary Breast and Ovarian Cancer; Hereditary breast and ovarian cancer; Hereditary breast and/or ovarian cancer syndrome; Hereditary breast and ovarian cancer syndrome; Hereditary breast and ovarian cancer syndrome (HBOC); Breast and ovarian cancer. Identifiers: Orphanet 145, MedGen C0677776, MeSH D061325, MONDO:0003582. Disease mechanism: loss of function.
Hereditary cancer. Identifiers: MedGen C1333600.

Submissions (5):

Ambry Genetics
Classification: Uncertain significance for Hereditary cancer-predisposing syndrome. Last evaluated: 2025-03-30. Review status: criteria provided, single submitter. Criteria: Ambry Variant Classification Scheme 2023. Collection method: clinical testing. Allele origin: germline.
Comment: The p.I591M variant (also known as c.1773A>G), located in coding exon 9 of the BRCA1 gene, results from an A to G substitution at nucleotide position 1773. The isoleucine at codon 591 is replaced by methionine, an amino acid with highly similar properties. This amino acid position is not well conserved in available vertebrate species. In addition, the in silico prediction for this alteration is inconclusive. Based on the available evidence, the clinical significance of this variant remains unclear.

Mendelics
Classification: Likely benign for Hereditary cancer. Last evaluated: 2024-09-11. Review status: criteria provided, single submitter. Criteria: ACMG Guidelines, 2015. Collection method: clinical testing. Allele origin: unknown.
Comment: This variant is considered likely benign or benign based on one or more of the following: it is predicted to be benign by multiple in silico algorithms, and/or has population frequency not consistent with disease, and/or has normal protein function, and/or has lack of segregation with disease, and/or has been detected in co-occurrence with known pathogenic variant, and/or has lack of disease association in case-control studies, and/or is located in a region inconsistent with a known cause of pathogenicity.

University of Washington Department of Laboratory Medicine, University of Washington
Classification: Likely benign for Hereditary cancer-predisposing syndrome. Last evaluated: 2023-03-23. Review status: criteria provided, single submitter. Criteria: Dines et al. (Genet Med. 2020). Collection method: curation. Allele origin: germline.
Comment: Missense variant in a coldspot region where missense variants are very unlikely to be pathogenic (PMID:31911673).

BRCA1 coldspot (exon 11 using historical exon numbering). Reclassification based on statistical prior probability

Quest Diagnostics Nichols Institute San Juan Capistrano
Classification: Uncertain significance. Last evaluated: 2022-10-25. Review status: criteria provided, single submitter. Criteria: Quest Diagnostics criteria. Collection method: clinical testing. Allele origin: unknown.
Comment: It has not been reported in large, multi-ethnic general populations. In the published literature, the variant has been reported in at least one individual with breast cancer (PMID: 30415210 (2018)). Analysis of this variant using bioinformatics tools for the prediction of the effect of amino acid changes on protein structure and function yielded conflicting predictions that this variant is benign or damaging. Based on the available information, we are unable to determine the clinical significance of this variant.

Labcorp Genetics (formerly Invitae), Labcorp
Classification: Uncertain significance for Hereditary breast ovarian cancer syndrome. Last evaluated: 2022-02-17. Review status: criteria provided, single submitter. Criteria: Invitae Variant Classification Sherloc (09022015). Collection method: clinical testing. Allele origin: germline.
Comment: This variant is not present in population databases (gnomAD no frequency). This sequence change replaces isoleucine, which is neutral and non-polar, with methionine, which is neutral and non-polar, at codon 591 of the BRCA1 protein (p.Ile591Met). This missense change has been observed in individual(s) with breast cancer (PMID: 30415210). In summary, the available evidence is currently insufficient to determine the role of this variant in disease. Therefore, it has been classified as a Variant of Uncertain Significance. Advanced modeling of protein sequence and biophysical properties (such as structural, functional, and spatial information, amino acid conservation, physicochemical variation, residue mobility, and thermodynamic stability) performed at Invitae indicates that this missense variant is not expected to disrupt BRCA1 protein function. ClinVar contains an entry for this variant (Variation ID: 574474).

Literature cited by the submitters: PubMed 30415210 (cited by Quest Diagnostics Nichols Institute San Juan Capistrano and Labcorp Genetics (formerly Invitae), Labcorp).

NM_007294.4(BRCA1):c.1773A>G (p.Ile591Met)

Gene: BRCA1 (BRCA1 DNA repair associated; minus strand). Cytogenetic location: 17q21.31.
Variant type: single nucleotide variant.
Coding change: c.1773A>G on transcript NM_007294.4 (MANE Select); coding-DNA position 1773, A replaced by G.
Protein change: p.Ile591Met; replaces isoleucine 591 with methionine.
Molecular consequence: missense variant. On other transcripts: intron variant (137).
Genome position (GRCh38, 1-based): chr17:43,093,758, T>C on the plus strand (A>G on the coding strand, the complement: BRCA1 is on the minus strand). VCF-style: chr17-43093758-T-C. GRCh37 (hg19) VCF-style: chr17-41245775-T-C.
Other names: c.1509A>G, p.Ile503Met (NM_001407929.1, NM_001407935.1, NM_001407933.1 and 9 more transcripts); c.1506A>G, p.Ile502Met (NM_001407931.1, NM_001407934.1, NM_001407932.1 and 2 more transcripts); c.1629A>G, p.Ile543Met (NM_001407849.1, NM_001407848.1, NM_001407847.1 and 20 more transcripts); c.1632A>G, p.Ile544Met (NM_001407851.1, NM_001407850.1, NM_001407692.1 and 29 more transcripts); c.1560A>G, p.Ile520Met (NM_001407571.1, NM_001407853.1, NM_001407894.1 and 9 more transcripts); c.1773A>G, p.Ile591Met (NM_001407581.1, NM_001407582.1, NM_001407583.1 and 30 more transcripts); c.1770A>G, p.Ile590Met (NM_001407587.1, NM_001407590.1, NM_001407591.1 and 22 more transcripts); c.1764A>G, p.Ile588Met (NM_001407646.1, NM_001407647.1); and 40 more; short protein forms I591M, I544M, I479M, I503M, I565M, I588M, I502M, I520M.
Identifiers: ClinVar variation 574474 (VCV000574474.15), dbSNP rs1555591259, ClinGen allele CA10598478.